The following is an entry in ClinVar:

ClinVar aggregate classification (germline): Uncertain significance. Review status: criteria provided, single submitter (1 of 4 stars). 2 submissions from 2 submitters: Uncertain significance (1). 1 of the submissions does not count toward it. Last evaluated 2025-04-14.

Conditions:
HEMOGLOBIN RAMPA.

Submissions (2):

Quest Diagnostics Nichols Institute San Juan Capistrano
Classification: Uncertain significance. Last evaluated: 2025-04-14. Review status: criteria provided, single submitter. Criteria: Quest Diagnostics criteria. Collection method: clinical testing. Allele origin: unknown.
Comment: The HBA2 c.286C>T (p.Pro96Ser) variant (also known as Hb Rampa) has been reported in the heterozygous state in individuals with normal clinical presentations (PMID: 5577460 (1971), HbVar). Individuals carrying this variant and beta-thalassemia trait presented as either healthy or having features typical for beta-thalassemia trait (PMID: 12484636 (2002), Huisman et. al. (Am. J. Hematol. 1980. 8:139-147)). Experimental studies indicate this variant is associated with increased oxygen affinity, decreased Bohr effect and cooperativity (PMID: 5012316 (1972)). This variant has not been reported in large, multi-ethnic general populations (Genome Aggregation Database). Analysis of this variant using bioinformatics tools for the prediction of the effect of amino acid changes on protein structure and function yielded predictions that this variant is damaging. Based on the available information, we are unable to determine the clinical significance of this variant.

OMIM
Classification: other for HEMOGLOBIN RAMPA. Last evaluated: 2018-05-21. Review status: no assertion criteria provided. Collection method: literature only. Allele origin: germline. Not counted in ClinVar's aggregate classification.

Literature cited by the submitters: PubMed 5012316 (cited by Quest Diagnostics Nichols Institute San Juan Capistrano and OMIM); PubMed 5577460 (cited by Quest Diagnostics Nichols Institute San Juan Capistrano and OMIM); PubMed 12484636 (cited by Quest Diagnostics Nichols Institute San Juan Capistrano and OMIM); Huisman, T. H. J., Gravely, M. E., Wilson, J. B., Webber, B., Felice, A. E., Miller, A. Interaction of the beta chain variant hemoglobin Leslie and the alpha chain variant hemoglobin Montgomery in a black female. Am. J. Hemat. 8: 139-147, 1980. (cited by OMIM).

NM_000517.4(HBA2):c.286C>T (p.Pro96Ser)

Genes: HBA2 (hemoglobin subunit alpha 2; plus strand), LOC106804612 (hemoglobin subunit alpha 2 recombination region; plus strand). Cytogenetic location: 16p13.3.
Variant type: single nucleotide variant.
Coding change: c.286C>T on transcript NM_000517.4; coding-DNA position 286, C replaced by T.
Protein change: p.Pro96Ser; replaces proline 96 with serine.
Molecular consequence: missense variant (on NM_000517.6).
Genome position (GRCh38, 1-based): chr16:173,315, C>T. VCF-style: chr16-173315-C-T. GRCh37 (hg19) VCF-style: chr16-223314-C-T.
Other names: P95S; c.286C>T, p.Pro96Ser (NM_000517.6); short protein forms P96S.
Identifiers: ClinVar variation 15675 (VCV000015675.3), dbSNP rs281864881, ClinGen allele CA125635.
Genomic context (GRCh38, chr16:173,315, plus strand): 5'-GACATGCCCAACGCGCTGTCCGCCCTGAGCGACCTGCACGCGCACAAGCTTCGGGTGGAC[C>T]CGGTCAACTTCAAGGTGAGCGGCGGGCCGGGAGCGATCTGGGTCGAGGGGCGAGATGGCG-3'
Protein context (NP_000508.1, residues 86-106): DLHAHKLRVD[Pro96Ser]VNFKLLSHCL